The following is an entry in ClinVar:

ClinVar aggregate classification (germline): Benign. Review status: criteria provided, multiple submitters, no conflicts (2 of 4 stars). 6 submissions from 5 submitters: Benign (6). Last evaluated 2026-01-26.

Conditions:
Chondrocalcinosis 2. Also called: CALCIUM GOUT; CALCIUM PYROPHOSPHATE ARTHROPATHY; Familial calcium pyrophosphate deposition. Identifiers: Orphanet 1416, MedGen C0856830, MONDO:0007319, OMIM 118600.
Craniometaphyseal dysplasia, autosomal dominant (CMDD). Identifiers: Orphanet 1522, MedGen C1852502, MONDO:0007397, OMIM 123000.

Allele frequency attached by ClinVar (database versions not stated): gnomAD exomes 0.00079 and 0.00213; ExAC 0.00249; 1000 Genomes Project 0.00699; 1000 Genomes Project 30x 0.00765; gnomAD 0.00836 and 0.00903; TOPMed 0.00941; ESP Exome Variant Server 0.01076.
gnomAD v4.1: 2,451 of 1,614,178 alleles (0.15%); highest among the groups gnomAD compares: African/African-American, 3%; 39 homozygotes.

Submissions (6):

Labcorp Genetics (formerly Invitae), Labcorp
Classification: Benign. Last evaluated: 2026-01-26. Review status: criteria provided, single submitter. Criteria: Invitae Variant Classification Sherloc (09022015). Collection method: clinical testing. Allele origin: germline.

Genome-Nilou Lab
Classification: Benign for Craniometaphyseal dysplasia, autosomal dominant. Last evaluated: 2021-12-05. Review status: criteria provided, single submitter. Criteria: ACMG Guidelines, 2015. Collection method: clinical testing. Allele origin: germline. Affected: no.

GeneDx
Classification: Benign. Last evaluated: 2019-03-14. Review status: criteria provided, single submitter. Criteria: GeneDx Variant Classification Process June 2021. Collection method: clinical testing. Allele origin: germline. Affected: yes.

Illumina Laboratory Services, Illumina
Classification: Benign for Chondrocalcinosis 2. Last evaluated: 2018-01-13. Review status: criteria provided, single submitter. Criteria: ICSL Variant Classification Criteria 13 December 2019. Collection method: clinical testing. Allele origin: germline.
Comment: This variant was observed in the ICSL laboratory as part of a predisposition screen in an ostensibly healthy population. It had not been previously curated by ICSL or reported in the Human Gene Mutation Database (HGMD: prior to June 1st, 2018), and was therefore a candidate for classification through an automated scoring system. Utilizing variant allele frequency, disease prevalence and penetrance estimates, and inheritance mode, an automated score was calculated to assess if this variant is too frequent to cause the disease. Based on the score and internal cut-off values, a variant classified as benign is not then subjected to further curation. The score for this variant resulted in a classification of benign for this disease.

Illumina Laboratory Services, Illumina
Classification: Benign for Craniometaphyseal dysplasia, autosomal dominant. Last evaluated: 2018-01-13. Review status: criteria provided, single submitter. Criteria: ICSL Variant Classification Criteria 13 December 2019. Collection method: clinical testing. Allele origin: germline.
Comment: the same text as in the submission from Illumina Laboratory Services, Illumina above.

Breakthrough Genomics
Classification: Benign. Review status: criteria provided, single submitter. Criteria: ACMG Guidelines, 2015. Collection method: not provided. Allele origin: germline. Inheritance: Autosomal dominant inheritance. Affected: yes.

NM_054027.6(ANKH):c.258C>T (p.Ala86=)

Gene: ANKH (ANKH inorganic pyrophosphate transport regulator; minus strand). Cytogenetic location: 5p15.2.
Variant type: single nucleotide variant.
Coding change: c.258C>T on transcript NM_054027.6 (MANE Select); coding-DNA position 258, C replaced by T.
Protein change: p.Ala86=; no amino-acid change (alanine 86 retained).
Molecular consequence: synonymous variant.
Genome position (GRCh38, 1-based): chr5:14,769,030, G>A on the plus strand (C>T on the coding strand, the complement: ANKH is on the minus strand). VCF-style: chr5-14769030-G-A. GRCh37 (hg19) VCF-style: chr5-14769139-G-A.
Identifiers: ClinVar variation 351561 (VCV000351561.20), dbSNP rs74355706, ClinGen allele CA3209185.